The following is an entry in ClinVar:

ClinVar aggregate classification (germline): Likely pathogenic (1 of 4 stars; one submission).

Conditions:
Familial infantile myasthenia (CMS6). Also called: MYASTHENIC SYNDROME, PRESYNAPTIC, CONGENITAL, ASSOCIATED WITH EPISODIC APNEA; MYASTHENIC SYNDROME, CONGENITAL, 6, PRESYNAPTIC; Congenital myasthenic syndrome type 6. Identifiers: Orphanet 590, MedGen C0393929, MONDO:0009689, OMIM 254210.

Submission:

First Genomix Gene Laboratory, Genetic Diagnostics Department
Classification: Likely pathogenic for Familial infantile myasthenia. Last evaluated: 2025-09-02. Review status: criteria provided, single submitter. Criteria: ACMG Guidelines, 2015. Collection method: clinical testing. Allele origin: germline. Inheritance: Autosomal recessive inheritance. Affected: no. Observed: 1 variant allele.

NM_020549.5(CHAT):c.286+2T>C

Gene: CHAT (choline O-acetyltransferase; plus strand). Cytogenetic location: 10q11.23.
Variant type: single nucleotide variant.
Coding change: c.286+2T>C on transcript NM_020549.5 (MANE Select); the canonical splice donor site of the intron after coding-DNA position 286, T replaced by C.
Molecular consequence: splice donor variant. On other transcripts: intron variant (2).
Genome position (GRCh38, 1-based): chr10:49,614,477, T>C. VCF-style: chr10-49614477-T-C. GRCh37 (hg19) VCF-style: chr10-50822523-T-C.
Other names: c.-68-2025T>C (NM_020984.4); c.-69+2T>C (NM_020985.4, NM_001142929.2); c.-69+1275T>C (NM_020986.4); c.-139+2T>C (NM_001142934.2); c.-31+2T>C (NM_001142933.2).
Identifiers: ClinVar variation 4850257 (VCV004850257.1).
Genomic context (GRCh38, chr10:49,614,477, plus strand): 5'-CCACACTCCTGAGTGGTGCGGTGCAGCGTCGGCCGAGGCAGCAGAGCCGAGGAGAGCAGG[T>C]GAGAAGAAGGGCTGGGCTGGGCTGGCGGAGCGCGGTGCCGGGAGCAAGGGCGGCGGTCGG-3'